The following is an entry in ClinVar:

NM_005259.3(MSTN):c.*493G>A

Genes: C2orf88 (chromosome 2 open reading frame 88; plus strand), MSTN (myostatin; minus strand). Cytogenetic location: 2q32.2.
Variant type: single nucleotide variant.
Coding change: c.*493G>A on transcript NM_005259.3 (MANE Select); 493 bases downstream of the stop codon, G replaced by A.
Molecular consequence: 3 prime UTR variant.
Genome position (GRCh38, 1-based): chr2:190,056,765, C>T on the plus strand (G>A on the coding strand, the complement: MSTN is on the minus strand). VCF-style: chr2-190056765-C-T. GRCh37 (hg19) VCF-style: chr2-190921491-C-T.
Other names: c.*493G>A (LRG_200t1).
Identifiers: ClinVar variation 333226 (VCV000333226.5), dbSNP rs16832285, ClinGen allele CA10613358.

ClinVar aggregate classification (germline): Benign (1 of 4 stars; one submission).

Conditions:
Myostatin-related muscle hypertrophy (MSLHP). Also called: MUSCLE HYPERTROPHY. Identifiers: Orphanet 275534, MedGen C2931112, MONDO:0013598, OMIM 614160.

Allele frequency attached by ClinVar (database versions not stated): gnomAD exomes 0.01426; gnomAD 0.06906 and 0.07312; 1000 Genomes Project 0.07109; 1000 Genomes Project 30x 0.07589; TOPMed 0.07805.
gnomAD v4.1: 10,605 of 164,046 alleles (6.5%); highest among the groups gnomAD compares: African/African-American, 20%; 855 homozygotes.

Submission:

Illumina Laboratory Services, Illumina
Classification: Benign for Myostatin-related muscle hypertrophy. Last evaluated: 2018-01-13. Review status: criteria provided, single submitter. Criteria: ICSL Variant Classification Criteria 13 December 2019. Collection method: clinical testing. Allele origin: germline.
Comment: This variant was observed in the ICSL laboratory as part of a predisposition screen in an ostensibly healthy population. It had not been previously curated by ICSL or reported in the Human Gene Mutation Database (HGMD: prior to June 1st, 2018), and was therefore a candidate for classification through an automated scoring system. Utilizing variant allele frequency, disease prevalence and penetrance estimates, and inheritance mode, an automated score was calculated to assess if this variant is too frequent to cause the disease. Based on the score and internal cut-off values, a variant classified as benign is not then subjected to further curation. The score for this variant resulted in a classification of benign for this disease.